The following is an entry in ClinVar:

ClinVar aggregate classification (germline): Uncertain significance. Review status: criteria provided, multiple submitters, no conflicts (2 of 4 stars). 2 submissions from 2 submitters: Uncertain significance (2). Last evaluated 2025-09-08.

Conditions:
Inborn genetic diseases. Identifiers: MedGen C0950123, MeSH D030342.

Allele frequency attached by ClinVar (database versions not stated): ExAC 0.00002; gnomAD exomes 0.00002 and 0.00004; gnomAD 0.00004; TOPMed 0.00006.
gnomAD v4.1: 45 of 1,613,448 alleles (0.0028%); highest among the groups gnomAD compares: Admixed American, 0.0067%; no homozygotes.

Submissions (2):

Labcorp Genetics (formerly Invitae), Labcorp
Classification: Uncertain significance. Last evaluated: 2025-09-08. Review status: criteria provided, single submitter. Criteria: Invitae Variant Classification Sherloc (09022015). Collection method: clinical testing. Allele origin: germline.
Comment: This sequence change replaces proline, which is neutral and non-polar, with leucine, which is neutral and non-polar, at codon 513 of the CSF2RB protein (p.Pro513Leu). This variant is present in population databases (rs761674523, gnomAD 0.006%). This variant has not been reported in the literature in individuals affected with CSF2RB-related conditions. ClinVar contains an entry for this variant (Variation ID: 1431443). Invitae Evidence Modeling of protein sequence and biophysical properties (such as structural, functional, and spatial information, amino acid conservation, physicochemical variation, residue mobility, and thermodynamic stability) indicates that this missense variant is not expected to disrupt CSF2RB protein function with a negative predictive value of 80%. In summary, the available evidence is currently insufficient to determine the role of this variant in disease. Therefore, it has been classified as a Variant of Uncertain Significance.

Ambry Genetics
Classification: Uncertain significance for Inborn genetic diseases. Last evaluated: 2025-04-01. Review status: criteria provided, single submitter. Criteria: Ambry Variant Classification Scheme 2023. Collection method: clinical testing. Allele origin: germline.

NM_000395.3(CSF2RB):c.1538C>T (p.Pro513Leu)

Gene: CSF2RB (colony stimulating factor 2 receptor subunit beta; plus strand). Cytogenetic location: 22q12.3.
Variant type: single nucleotide variant.
Coding change: c.1538C>T on transcript NM_000395.3 (MANE Select); coding-DNA position 1538, C replaced by T.
Protein change: p.Pro513Leu; replaces proline 513 with leucine.
Molecular consequence: missense variant.
Genome position (GRCh38, 1-based): chr22:36,936,622, C>T. VCF-style: chr22-36936622-C-T. GRCh37 (hg19) VCF-style: chr22-37332664-C-T.
Other names: c.1538C>T (NM_000395.2); short protein forms P513L.
Identifiers: ClinVar variation 1431443 (VCV001431443.7), dbSNP rs761674523, ClinGen allele CA10213912.